The following is an entry in ClinVar:

ClinVar aggregate classification (germline): Likely pathogenic (1 of 4 stars; one submission).

Conditions:
Autosomal recessive Alport syndrome (ATS2). Also called: COL4A3-Related Nephropathy; COL4A4 Alport Syndrome and Thin Basement Membrane Nephropathy; ALPORT SYNDROME 2, AUTOSOMAL RECESSIVE; Alport syndrome type 2. Identifiers: Orphanet 63, Orphanet 88919, MedGen C4746745, MONDO:0008762, OMIM 203780.

Submission:

Myriad Genetics, Inc.
Classification: Likely pathogenic for Autosomal recessive Alport syndrome. Last evaluated: 2022-02-22. Review status: criteria provided, single submitter. Criteria: Myriad Women's Health Autosomal Recessive and X-Linked Classification Criteria (2021). Collection method: clinical testing. Allele origin: unknown.
Comment: NM_000092.4(COL4A4):c.1073T>A(L358*) is expected to be pathogenic in the context of COL4A4-related Alport syndrome. This variant is predicted to lead to an abnormal or absent protein product due to the creation of a premature termination codon in COL4A4, a gene where loss-of-function variants are known to be pathogenic. Please note: this variant was assessed in the context of healthy population screening.

NM_000092.5(COL4A4):c.1073T>A (p.Leu358Ter)

Gene: COL4A4 (collagen type IV alpha 4 chain; minus strand). Cytogenetic location: 2q36.3.
Variant type: single nucleotide variant.
Coding change: c.1073T>A on transcript NM_000092.5 (MANE Select); coding-DNA position 1073, T replaced by A.
Protein change: p.Leu358Ter; replaces leucine 358 with a stop codon.
Molecular consequence: nonsense.
Genome position (GRCh38, 1-based): chr2:227,099,646, A>T on the plus strand (T>A on the coding strand, the complement: COL4A4 is on the minus strand). VCF-style: chr2-227099646-A-T. GRCh37 (hg19) VCF-style: chr2-227964362-A-T.
Other names: short protein forms L358*.
Identifiers: ClinVar variation 1724618 (VCV001724618.2), dbSNP rs2475458276, ClinGen allele CA350854730.